The following is an entry in ClinVar:

ClinVar aggregate classification (germline): Uncertain significance (1 of 4 stars; one submission).

Conditions:
Cardiovascular phenotype. Identifiers: MedGen CN230736.

Allele frequency attached by ClinVar (database versions not stated): ExAC 0.00001.
gnomAD v4.1: 1 of 1,614,006 alleles (0.000062%); highest among the groups gnomAD compares: Non-Finnish European, 0.000085%; no homozygotes.

Submission:

Ambry Genetics
Classification: Uncertain significance for Cardiovascular phenotype. Last evaluated: 2023-02-19. Review status: criteria provided, single submitter. Criteria: Ambry Variant Classification Scheme 2023. Collection method: clinical testing. Allele origin: germline.
Comment: The p.R79S variant (also known as c.235C>A), located in coding exon 1 of the JPH2 gene, results from a C to A substitution at nucleotide position 235. The arginine at codon 79 is replaced by serine, an amino acid with dissimilar properties. This amino acid position is conserved. In addition, this alteration is predicted to be tolerated by in silico analysis. Since supporting evidence is limited at this time, the clinical significance of this alteration remains unclear.

NM_020433.5(JPH2):c.235C>A (p.Arg79Ser)

Gene: JPH2 (junctophilin 2; minus strand). Cytogenetic location: 20q13.12.
Variant type: single nucleotide variant.
Coding change: c.235C>A on transcript NM_020433.5 (MANE Select); coding-DNA position 235, C replaced by A.
Protein change: p.Arg79Ser; replaces arginine 79 with serine.
Molecular consequence: missense variant.
Genome position (GRCh38, 1-based): chr20:44,186,471, G>T on the plus strand (C>A on the coding strand, the complement: JPH2 is on the minus strand). VCF-style: chr20-44186471-G-T. GRCh37 (hg19) VCF-style: chr20-42815111-G-T.
Other names: c.235C>A, p.Arg79Ser (NM_175913.4); short protein forms R79S.
Identifiers: ClinVar variation 2451755 (VCV002451755.2), dbSNP rs753220253, ClinGen allele CA9868908.